The following is an entry in ClinVar:

NM_020365.5(EIF2B3):c.602A>G (p.Asp201Gly)

Gene: EIF2B3 (eukaryotic translation initiation factor 2B subunit gamma; minus strand). Cytogenetic location: 1p34.1.
Variant type: single nucleotide variant.
Coding change: c.602A>G on transcript NM_020365.5 (MANE Select); coding-DNA position 602, A replaced by G.
Protein change: p.Asp201Gly; replaces aspartic acid 201 with glycine.
Molecular consequence: missense variant.
Genome position (GRCh38, 1-based): chr1:44,897,409, T>C on the plus strand (A>G on the coding strand, the complement: EIF2B3 is on the minus strand). VCF-style: chr1-44897409-T-C. GRCh37 (hg19) VCF-style: chr1-45363081-T-C.
Other names: c.602A>G, p.Asp201Gly (NM_001166588.3, NM_001261418.2); short protein forms D201G.
Identifiers: ClinVar variation 4854610 (VCV004854610.1).

ClinVar aggregate classification (germline): Likely pathogenic (1 of 4 stars; one submission).

Conditions:
Leukoencephalopathy with vanishing white matter 3 (VWM3). Also called: Leukoencephalopathy with vanishing white matter 3, with or without ovarian failure; EIF2B3-Related Childhood Ataxia with Central Nervous System Hypomyelination/Vanishing White Matter. Identifiers: MedGen C5830405, MONDO:0957871, OMIM 620313.

Submission:

3billion
Classification: Likely pathogenic for Leukoencephalopathy with vanishing white matter 3. Last evaluated: 2025-06-11. Review status: criteria provided, single submitter. Criteria: ACMG Guidelines, 2015. Collection method: clinical testing. Allele origin: germline. Affected: yes.
Comment: The variant is not observed in the gnomAD v4.1.0 dataset. Predicted Consequence/Location: Missense variant In silico tool predictions suggest damaging effect of the variant on gene or gene product [REVEL: 0.90 (>=0.6, sensitivity 0.68 and specificity 0.92); 3Cnet: 0.90 (> 0.75, sensitivity 0.96 and precision 0.92)]. The variant has been observed in at least two similarly affected unrelated individuals (PMID: 33432707). The variant has been reported to co-segregate with the disease in at least one similarly affected relative/individual in the same family or similarly affected unrelated families (PMID: 33432707). Therefore, this variant is classified as Likely pathogenic according to the recommendation of ACMG/AMP guideline.

Literature cited by the submitters: PubMed 33432707.